The following is an entry in ClinVar:

ClinVar aggregate classification (germline): Uncertain significance (1 of 4 stars; one submission).

Submission:

Labcorp Genetics (formerly Invitae), Labcorp
Classification: Uncertain significance. Last evaluated: 2021-06-03. Review status: criteria provided, single submitter. Criteria: Invitae Variant Classification Sherloc (09022015). Collection method: clinical testing. Allele origin: germline.
Comment: In summary, the available evidence is currently insufficient to determine the role of this variant in disease. Therefore, it has been classified as a Variant of Uncertain Significance. Experimental studies and prediction algorithms are not available or were not evaluated, and the functional significance of this variant is currently unknown. This variant has not been reported in the literature in individuals with COL11A1-related conditions. This variant is a gross deletion of the genomic region encompassing exon(s) 5-9 of the COL11A1 gene. This variant would be expected to be in-frame, preserving the integrity of the reading frame.

NC_000001.10:g.(?_103487243)_(103496820_?)del

Gene: COL11A1 (collagen type XI alpha 1 chain; minus strand). Cytogenetic location: 1p21.1.
Variant type: Deletion.
Identifiers: ClinVar variation 1410516 (VCV001410516.6).